The following is an entry in ClinVar:

ClinVar aggregate classification (germline): Uncertain significance (1 of 4 stars; one submission).

Submission:

GeneDx
Classification: Uncertain significance. Last evaluated: 2024-01-29. Review status: criteria provided, single submitter. Criteria: GeneDx Variant Classification Process June 2021. Collection method: clinical testing. Allele origin: germline. Affected: yes.
Comment: Not observed at significant frequency in large population cohorts (gnomAD); In silico analysis supports that this missense variant has a deleterious effect on protein structure/function; Has not been previously published as pathogenic or benign to our knowledge

NM_006415.4(SPTLC1):c.958G>A (p.Gly320Ser)

Gene: SPTLC1 (serine palmitoyltransferase long chain base subunit 1; minus strand). Cytogenetic location: 9q22.31.
Variant type: single nucleotide variant.
Coding change: c.958G>A on transcript NM_006415.4 (MANE Select); coding-DNA position 958, G replaced by A.
Protein change: p.Gly320Ser; replaces glycine 320 with serine.
Molecular consequence: missense variant.
Genome position (GRCh38, 1-based): chr9:92,047,639, C>T on the plus strand (G>A on the coding strand, the complement: SPTLC1 is on the minus strand). VCF-style: chr9-92047639-C-T. GRCh37 (hg19) VCF-style: chr9-94809921-C-T.
Other names: c.958G>A, p.Gly320Ser (NM_001281303.2); c.592G>A, p.Gly198Ser (NM_001368272.1); c.493G>A, p.Gly165Ser (NM_001368273.1); short protein forms G165S, G198S, G320S.
Identifiers: ClinVar variation 3368371 (VCV003368371.1).